The following is an entry in ClinVar:

ClinVar aggregate classification (germline): Uncertain significance (1 of 4 stars; one submission).

gnomAD v4.1: 2 of 1,614,144 alleles (0.00012%); highest among the groups gnomAD compares: African/African-American, 0.0013%; no homozygotes.

Submission:

Dasa
Classification: Uncertain significance. Last evaluated: 2025-02-20. Review status: criteria provided, single submitter. Criteria: DASA Assertion Criteria. Collection method: clinical testing. Allele origin: germline.
Comment: NM_001042681.2(RERE):c.1724G>A (p.Arg575Gln) is a missense variant that results in the substitution of arginine with glutamine. This variant is rare in population databases. Computational prediction algorithms are consistent with a benign effect. The currently available literature and clinical evidence are not sufficient to establish a definitive association between this variant and the reported condition. Therefore, this variant is classified as a variant of uncertain significance.

NM_001042681.2(RERE):c.1724G>A (p.Arg575Gln)

Gene: RERE (arginine-glutamic acid dipeptide repeats; minus strand). Cytogenetic location: 1p36.23.
Variant type: single nucleotide variant.
Coding change: c.1724G>A on transcript NM_001042681.2 (MANE Select); coding-DNA position 1724, G replaced by A.
Protein change: p.Arg575Gln; replaces arginine 575 with glutamine.
Molecular consequence: missense variant.
Genome position (GRCh38, 1-based): chr1:8,364,072, C>T on the plus strand (G>A on the coding strand, the complement: RERE is on the minus strand). VCF-style: chr1-8364072-C-T. GRCh37 (hg19) VCF-style: chr1-8424132-C-T.
Other names: c.62G>A, p.Arg21Gln (NM_001042682.2); c.1724G>A, p.Arg575Gln (NM_012102.4); short protein forms R21Q, R575Q.
Identifiers: ClinVar variation 5020995 (VCV005020995.1).
Genomic context (GRCh38, chr1:8,364,072, plus strand): 5'-AACTGAAGAAGTTGCCAGGAGCCCCATGGCCCCAGGGGACTCACCGAGCCCCGACTCCGC[C>T]GTGTCCTCATGCTATGCTTCCCACTGAGCCCATCATCCTCTTCCTTGACGGGTTTGAACA-3'
Protein context (NP_001036146.1, residues 565-585): GLSGKHSMRT[Arg575Gln]RSRGSMSTLR